The following is an entry in ClinVar:

ClinVar aggregate classification (germline): Conflicting classifications of pathogenicity. Review status: criteria provided, conflicting classifications (1 of 4 stars). 3 submissions from 3 submitters: Uncertain significance (2); Likely benign (1). Last evaluated 2025-10-22.

Conditions:
Episodic pain syndrome, familial, 2 (FEPS2). Identifiers: Orphanet 306577, MedGen C3809893, MONDO:0014246, OMIM 615551.
Cardiovascular phenotype. Identifiers: MedGen CN230736.
Brugada syndrome. Also called: Sudden unexplained nocturnal death syndrome; Sudden Unexplained Death Syndrome; Sudden Unexplained Nocturnal Death Syndrome (SUNDS); Sudden unexpected nocturnal death syndrome. Identifiers: Orphanet 130, MedGen C1142166, MONDO:0015263.

Allele frequency attached by ClinVar (database versions not stated): ExAC 0.00002; gnomAD 0.00003 and 0.00004; gnomAD exomes 0.00003; TOPMed 0.00003; ESP Exome Variant Server 0.00008.
gnomAD v4.1: 46 of 1,614,048 alleles (0.0028%); highest among the groups gnomAD compares: South Asian, 0.0099%; no homozygotes.

Submissions (3):

Labcorp Genetics (formerly Invitae), Labcorp
Classification: Uncertain significance for Brugada syndrome. Last evaluated: 2025-10-22. Review status: criteria provided, single submitter. Criteria: Invitae Variant Classification Sherloc (09022015). Collection method: clinical testing. Allele origin: germline.
Comment: This sequence change replaces aspartic acid, which is acidic and polar, with asparagine, which is neutral and polar, at codon 1315 of the SCN10A protein (p.Asp1315Asn). This variant is present in population databases (rs147640811, gnomAD 0.005%). This variant has not been reported in the literature in individuals affected with SCN10A-related conditions. ClinVar contains an entry for this variant (Variation ID: 569584). Invitae Evidence Modeling of protein sequence and biophysical properties (such as structural, functional, and spatial information, amino acid conservation, physicochemical variation, residue mobility, and thermodynamic stability) indicates that this missense variant is not expected to disrupt SCN10A protein function with a negative predictive value of 80%. In summary, the available evidence is currently insufficient to determine the role of this variant in disease. Therefore, it has been classified as a Variant of Uncertain Significance.

Ambry Genetics
Classification: Likely benign for Cardiovascular phenotype. Last evaluated: 2022-03-25. Review status: criteria provided, single submitter. Criteria: Ambry Variant Classification Scheme 2023. Collection method: clinical testing. Allele origin: germline.

Fulgent Genetics
Classification: Uncertain significance for Episodic pain syndrome, familial, 2. Last evaluated: 2021-10-05. Review status: criteria provided, single submitter. Criteria: ACMG Guidelines, 2015. Collection method: clinical testing. Allele origin: unknown.

NM_006514.4(SCN10A):c.3943G>A (p.Asp1315Asn)

Gene: SCN10A (sodium voltage-gated channel alpha subunit 10; minus strand). Cytogenetic location: 3p22.2.
Variant type: single nucleotide variant.
Coding change: c.3943G>A on transcript NM_006514.4 (MANE Select); coding-DNA position 3943, G replaced by A.
Protein change: p.Asp1315Asn; replaces aspartic acid 1315 with asparagine.
Molecular consequence: missense variant.
Genome position (GRCh38, 1-based): chr3:38,712,307, C>T on the plus strand (G>A on the coding strand, the complement: SCN10A is on the minus strand). VCF-style: chr3-38712307-C-T. GRCh37 (hg19) VCF-style: chr3-38753798-C-T.
Other names: c.3940G>A, p.Asp1314Asn (NM_001293306.2); c.3649G>A, p.Asp1217Asn (NM_001293307.2); short protein forms D1315N, D1314N, D1217N.
Identifiers: ClinVar variation 569584 (VCV000569584.11), dbSNP rs147640811, ClinGen allele CA2320068.